The following is an entry in ClinVar:

ClinVar aggregate classification (germline): Uncertain significance (1 of 4 stars; one submission).

Submission:

GeneDx
Classification: Uncertain significance. Last evaluated: 2023-01-24. Review status: criteria provided, single submitter. Criteria: GeneDx Variant Classification Process June 2021. Collection method: clinical testing. Allele origin: germline. Affected: yes.
Comment: Not observed at significant frequency in large population cohorts (gnomAD); In silico analysis supports that this missense variant does not alter protein structure/function; Has not been previously published as pathogenic or benign to our knowledge

NM_032271.3(TRAF7):c.1468A>C (p.Asn490His)

Gene: TRAF7 (TNF receptor associated factor 7; plus strand). Cytogenetic location: 16p13.3.
Variant type: single nucleotide variant.
Coding change: c.1468A>C on transcript NM_032271.3 (MANE Select); coding-DNA position 1468, A replaced by C.
Protein change: p.Asn490His; replaces asparagine 490 with histidine.
Molecular consequence: missense variant.
Genome position (GRCh38, 1-based): chr16:2,175,382, A>C. VCF-style: chr16-2175382-A-C. GRCh37 (hg19) VCF-style: chr16-2225383-A-C.
Other names: short protein forms N490H.
Identifiers: ClinVar variation 2573801 (VCV002573801.1), dbSNP rs1280990910, ClinGen allele CA394332269.